The following is an entry in ClinVar:

ClinVar aggregate classification (germline): Likely pathogenic. Review status: criteria provided, multiple submitters, no conflicts (2 of 4 stars). 3 submissions from 3 submitters: Likely pathogenic (2). 1 of the submissions does not count toward it. Last evaluated 2024-09-04.

Conditions:
Hereditary spastic paraplegia 7 (SPG7). Also called: SPASTIC PARAPLEGIA 7, AUTOSOMAL RECESSIVE, WITH OR WITHOUT CEREBELLAR ATAXIA; Autosomal recessive spastic paraplegia type 7; Spastic paraplegia 7; Hereditary spastic paraplegia Paraplegin type; SPG7-related neurologic disorder. Identifiers: Orphanet 99013, MedGen C1846564, MONDO:0011803, OMIM 607259.
SPG7-related disorder. Also called: SPG7-related condition.

Allele frequency attached by ClinVar (database versions not stated): gnomAD exomes below 0.00001; TOPMed below 0.00001.

Submissions (3):

Blueprint Genetics
Classification: Likely pathogenic for SPG7-related disorders. Last evaluated: 2024-09-04. Review status: criteria provided, single submitter. Criteria: ACMG Guidelines, 2015. Collection method: clinical testing. Allele origin: germline. Affected: yes. Observed: 1 variant allele.

Labcorp Genetics (formerly Invitae), Labcorp
Classification: Likely pathogenic for Hereditary spastic paraplegia 7. Last evaluated: 2021-10-14. Review status: criteria provided, single submitter. Criteria: Invitae Variant Classification Sherloc (09022015). Collection method: clinical testing. Allele origin: germline.
Comment: This sequence change affects a donor splice site in intron 15 of the SPG7 gene. It is expected to disrupt RNA splicing and likely results in an absent or disrupted protein product. This variant is not present in population databases (ExAC no frequency). This variant has not been reported in the literature in individuals with SPG7-related conditions. In summary, the currently available evidence indicates that the variant is pathogenic, but additional data are needed to prove that conclusively. Therefore, this variant has been classified as Likely Pathogenic. Algorithms developed to predict the effect of sequence changes on RNA splicing suggest that this variant may disrupt the consensus splice site, but this prediction has not been confirmed by published transcriptional studies. Donor and acceptor splice site variants typically lead to a loss of protein function (PMID: 16199547), and loss-of-function variants in SPG7 are known to be pathogenic (PMID: 21623769, 22964162).

Solve-RD Consortium
Classification: Likely pathogenic for Hereditary spastic paraplegia 7. Last evaluated: 2022-06-01. Review status: no assertion criteria provided. Collection method: provider interpretation. Allele origin: inherited. Affected: yes. Not counted in ClinVar's aggregate classification.
Comment: Variant confirmed as disease-causing by referring clinical team

Variant identified during reanalysis of unsolved cases by the Solve-RD project. The Solve-RD project has received funding from the European Union’s Horizon 2020 research and innovation programme under grant agreement No 779257.

Literature cited by the submitters: PubMed 16199547 (cited by Labcorp Genetics (formerly Invitae), Labcorp); PubMed 21623769 (cited by Labcorp Genetics (formerly Invitae), Labcorp); PubMed 22964162 (cited by Labcorp Genetics (formerly Invitae), Labcorp); PubMed 39825153 (cited by Solve-RD Consortium).

NM_003119.4(SPG7):c.2103+2_2103+20del

Gene: SPG7 (SPG7 matrix AAA peptidase subunit, paraplegin; plus strand). Cytogenetic location: 16q24.3.
Variant type: Deletion.
Coding change: c.2103+2_2103+20del on transcript NM_003119.4 (MANE Select); the canonical splice donor site of the intron after coding-DNA position 2103 through 20 bases into the intron after coding-DNA position 2103, 19 bases deleted (TGAGTCGGCTCTGGCCACA).
Molecular consequence: splice donor variant.
Genome position (GRCh38, 1-based): chr16:89,553,962-89,553,980, TGAGTCGGCTCTGGCCACA deleted. VCF-style (leftmost placement, unchanged base first): chr16-89553961-GTGAGTCGGCTCTGGCCACA-G. GRCh37 (hg19) VCF-style: chr16-89620369-GTGAGTCGGCTCTGGCCACA-G.
Other names: c.2103+2_2103+20del (NM_001363850.1).
Identifiers: ClinVar variation 961945 (VCV000961945.9), dbSNP rs1743896594, ClinGen allele CA1139665001.